The following is an entry in ClinVar:

ClinVar aggregate classification (germline): Benign. Review status: criteria provided, multiple submitters, no conflicts (2 of 4 stars). 7 submissions from 7 submitters: Benign (6). 1 of the submissions does not count toward it. Last evaluated 2026-02-04.

Conditions:
Pontocerebellar hypoplasia type 2D (PCH2D). Also called: Progressive cerebello-cerebral atrophy. Identifiers: Orphanet 247198, Orphanet 2524, MedGen C3151140, MONDO:0013438, OMIM 613811.

Allele frequency attached by ClinVar (database versions not stated): gnomAD exomes 0.06624; ExAC 0.06679; ESP Exome Variant Server 0.07690; gnomAD 0.07758 and 0.07763; TOPMed 0.08340; 1000 Genomes Project 0.11222; 1000 Genomes Project 30x 0.11305.
gnomAD v4.1: 87,227 of 1,613,602 alleles (5.4%); highest among the groups gnomAD compares: African/African-American, 14%; 2,992 homozygotes.

Submissions (7):

Labcorp Genetics (formerly Invitae), Labcorp
Classification: Benign. Last evaluated: 2026-02-04. Review status: criteria provided, single submitter. Criteria: Invitae Variant Classification Sherloc (09022015). Collection method: clinical testing. Allele origin: germline.

Genome-Nilou Lab
Classification: Benign for Pontocerebellar hypoplasia type 2D. Last evaluated: 2021-07-10. Review status: criteria provided, single submitter. Criteria: ACMG Guidelines, 2015. Collection method: clinical testing. Allele origin: germline. Affected: no.

Illumina Laboratory Services, Illumina
Classification: Benign for Pontocerebellar hypoplasia type 2D. Last evaluated: 2018-01-13. Review status: criteria provided, single submitter. Criteria: ICSL Variant Classification Criteria 13 December 2019. Collection method: clinical testing. Allele origin: germline.
Comment: This variant was observed in the ICSL laboratory as part of a predisposition screen in an ostensibly healthy population. It had not been previously curated by ICSL or reported in the Human Gene Mutation Database (HGMD: prior to June 1st, 2018), and was therefore a candidate for classification through an automated scoring system. Utilizing variant allele frequency, disease prevalence and penetrance estimates, and inheritance mode, an automated score was calculated to assess if this variant is too frequent to cause the disease. Based on the score and internal cut-off values, a variant classified as benign is not then subjected to further curation. The score for this variant resulted in a classification of benign for this disease.

GeneDx
Classification: Benign. Last evaluated: 2016-02-26. Review status: criteria provided, single submitter. Criteria: GeneDx Variant Classification (06012015). Collection method: clinical testing. Allele origin: germline. Affected: yes.
Comment: This variant is considered likely benign or benign based on one or more of the following criteria: it is a conservative change, it occurs at a poorly conserved position in the protein, it is predicted to be benign by multiple in silico algorithms, and/or has population frequency not consistent with disease.

Genetic Services Laboratory, University of Chicago
Classification: Benign for AllHighlyPenetrant. Last evaluated: 2013-04-25. Review status: criteria provided, single submitter. Criteria: ACMG Guidelines, 2007. Collection method: clinical testing. Allele origin: germline. Inheritance: Autosomal recessive inheritance.

Breakthrough Genomics
Classification: Benign. Review status: criteria provided, single submitter. Criteria: ACMG Guidelines, 2015. Collection method: not provided. Allele origin: germline. Inheritance: Autosomal recessive inheritance. Affected: yes.

Natera, Inc.
Classification: Benign for Pontocerebellar hypoplasia type 2d. Last evaluated: 2020-09-16. Review status: no assertion criteria provided. Collection method: clinical testing. Allele origin: germline. Not counted in ClinVar's aggregate classification.

NM_016955.4(SEPSECS):c.1356G>C (p.Lys452Asn)

Gene: SEPSECS (Sep (O-phosphoserine) tRNA:Sec (selenocysteine) tRNA synthase; minus strand). Cytogenetic location: 4p15.2.
Variant type: single nucleotide variant.
Coding change: c.1356G>C on transcript NM_016955.4 (MANE Select); coding-DNA position 1356, G replaced by C.
Protein change: p.Lys452Asn; replaces lysine 452 with asparagine.
Molecular consequence: missense variant.
Genome position (GRCh38, 1-based): chr4:25,124,081, C>G on the plus strand (G>C on the coding strand, the complement: SEPSECS is on the minus strand). VCF-style: chr4-25124081-C-G. GRCh37 (hg19) VCF-style: chr4-25125703-C-G.
Other names: short protein forms K452N.
Identifiers: ClinVar variation 130288 (VCV000130288.22), dbSNP rs2302566, ClinGen allele CA155167.